The following is an entry in ClinVar:

ClinVar aggregate classification (germline): Uncertain significance. Review status: criteria provided, multiple submitters, no conflicts (2 of 4 stars). 2 submissions from 2 submitters: Uncertain significance (2). Last evaluated 2025-05-18.

Conditions:
Inborn genetic diseases. Identifiers: MedGen C0950123, MeSH D030342.

Submissions (2):

Ambry Genetics
Classification: Uncertain significance for Inborn genetic diseases. Last evaluated: 2025-05-18. Review status: criteria provided, single submitter. Criteria: Ambry Variant Classification Scheme 2023. Collection method: clinical testing. Allele origin: germline.

Labcorp Genetics (formerly Invitae), Labcorp
Classification: Uncertain significance. Last evaluated: 2022-06-07. Review status: criteria provided, single submitter. Criteria: Invitae Variant Classification Sherloc (09022015). Collection method: clinical testing. Allele origin: germline.
Comment: This sequence change replaces arginine, which is basic and polar, with cysteine, which is neutral and slightly polar, at codon 151 of the DOCK6 protein (p.Arg151Cys). This variant is present in population databases (rs200587566, gnomAD 0.02%). This variant has not been reported in the literature in individuals affected with DOCK6-related conditions. Algorithms developed to predict the effect of missense changes on protein structure and function output the following: SIFT: "Tolerated"; PolyPhen-2: "Benign"; Align-GVGD: "Class C0". The cysteine amino acid residue is found in multiple mammalian species, which suggests that this missense change does not adversely affect protein function. In summary, the available evidence is currently insufficient to determine the role of this variant in disease. Therefore, it has been classified as a Variant of Uncertain Significance.

NM_020812.4(DOCK6):c.451C>T (p.Arg151Cys)

Gene: DOCK6 (dedicator of cytokinesis 6; minus strand). Cytogenetic location: 19p13.2.
Variant type: single nucleotide variant.
Coding change: c.451C>T on transcript NM_020812.4 (MANE Select); coding-DNA position 451, C replaced by T.
Protein change: p.Arg151Cys; replaces arginine 151 with cysteine.
Molecular consequence: missense variant.
Genome position (GRCh38, 1-based): chr19:11,252,175, G>A on the plus strand (C>T on the coding strand, the complement: DOCK6 is on the minus strand). VCF-style: chr19-11252175-G-A. GRCh37 (hg19) VCF-style: chr19-11362851-G-A.
Other names: c.451C>T, p.Arg151Cys (NM_001367830.1); short protein forms R151C.
Identifiers: ClinVar variation 2056886 (VCV002056886.3), dbSNP rs200587566, ClinGen allele CA9208488.